The following is an entry in ClinVar:

NM_005188.4(CBL):c.729C>T (p.Ile243=)

Gene: CBL (Cbl proto-oncogene; plus strand). Cytogenetic location: 11q23.3.
Variant type: single nucleotide variant.
Coding change: c.729C>T on transcript NM_005188.4 (MANE Select); coding-DNA position 729, C replaced by T.
Protein change: p.Ile243=; no amino-acid change (isoleucine 243 retained).
Molecular consequence: synonymous variant.
Genome position (GRCh38, 1-based): chr11:119,274,006, C>T. VCF-style: chr11-119274006-C-T. GRCh37 (hg19) VCF-style: chr11-119144716-C-T.
Other names: c.729C>T (NM_005188.2).
Identifiers: ClinVar variation 2642462 (VCV002642462.30), dbSNP rs890444225, ClinGen allele CA229659815.

ClinVar aggregate classification (germline): Likely benign. Review status: criteria provided, multiple submitters, no conflicts (2 of 4 stars). 5 submissions from 5 submitters: Likely benign (4). 1 of the submissions does not count toward it. Last evaluated 2024-11-23.

Conditions:
CBL-related disorder. Also called: NOONAN SYNDROME-LIKE DISORDER WITHOUT JUVENILE MYELOMONOCYTIC LEUKEMIA; CBL MUTATION-ASSOCIATED SYNDROME; CBL SYNDROME. Identifiers: Orphanet 363972, MedGen C3150803, MONDO:0013308, OMIM 613563.
RASopathy. Also called: rasopathies; Noonan spectrum disorder. Identifiers: Orphanet 536391, MedGen C5555857, MONDO:0021060.
Cardiovascular phenotype. Identifiers: MedGen CN230736.

Allele frequency attached by ClinVar (database versions not stated): gnomAD 0.00001; gnomAD exomes 0.00001; TOPMed 0.00003.
gnomAD v4.1: 12 of 1,612,196 alleles (0.00074%); highest among the groups gnomAD compares: Non-Finnish European, 0.001%; no homozygotes.

Submissions (5):

Ambry Genetics
Classification: Likely benign for Cardiovascular phenotype. Last evaluated: 2024-11-23. Review status: criteria provided, single submitter. Criteria: Ambry Variant Classification Scheme 2023. Collection method: clinical testing. Allele origin: germline.

Blueprint Genetics
Classification: Likely benign. Last evaluated: 2024-11-18. Review status: criteria provided, single submitter. Criteria: ACMG Guidelines, 2015. Collection method: clinical testing. Allele origin: germline.

Labcorp Genetics (formerly Invitae), Labcorp
Classification: Likely benign for RASopathy. Last evaluated: 2024-08-11. Review status: criteria provided, single submitter. Criteria: Invitae Variant Classification Sherloc (09022015). Collection method: clinical testing. Allele origin: germline.

CeGaT Center for Human Genetics Tuebingen
Classification: Likely benign. Last evaluated: 2022-11-01. Review status: criteria provided, single submitter. Criteria: CeGaT Center For Human Genetics Tuebingen Variant Classification Criteria Version 2. Collection method: clinical testing. Allele origin: germline. Affected: yes. Observed: 1 variant allele.
Comment: CBL: BP4, BP7

PreventionGenetics, part of Exact Sciences
Classification: Likely benign for CBL-related condition. Last evaluated: 2019-10-16. Review status: no assertion criteria provided. Collection method: clinical testing. Allele origin: germline. Not counted in ClinVar's aggregate classification.
Comment: This variant is classified as likely benign based on ACMG/AMP sequence variant interpretation guidelines (Richards et al. 2015 PMID: 25741868, with internal and published modifications).